The following is an entry in ClinVar:

NM_001365480.1(CCDC88A):c.164+12703C>T

Gene: CCDC88A (coiled-coil and HOOK domain protein 88A; minus strand). Cytogenetic location: 2p16.1.
Variant type: single nucleotide variant.
Coding change: c.164+12703C>T on transcript NM_001365480.1 (MANE Select); 12703 bases into the intron after coding-DNA position 164, C replaced by T.
Molecular consequence: intron variant.
Genome position (GRCh38, 1-based): chr2:55,406,113, G>A on the plus strand (C>T on the coding strand, the complement: CCDC88A is on the minus strand). VCF-style: chr2-55406113-G-A. GRCh37 (hg19) VCF-style: chr2-55633249-G-A.
Other names: c.164+12703C>T (NM_001254943.2, NM_001135597.2, NM_018084.5).
Identifiers: ClinVar variation 2650946 (VCV002650946.24), dbSNP rs138571344, ClinGen allele CA47614981.

ClinVar aggregate classification (germline): Benign (1 of 4 stars; one submission).

Allele frequency attached by ClinVar (database versions not stated): gnomAD 0.00855; 1000 Genomes Project 0.00359; 1000 Genomes Project 30x 0.00375; TOPMed 0.00737.

Submission:

CeGaT Center for Human Genetics Tuebingen
Classification: Benign. Last evaluated: 2026-09-01. Review status: criteria provided, single submitter. Criteria: CeGaT Center For Human Genetics Tuebingen Variant Classification Criteria Version 2. Collection method: clinical testing. Allele origin: germline. Affected: yes. Observed: 12 variant alleles.
Comment: CCDC88A: BS1, BS2